The following is an entry in ClinVar:

NC_000019.10:g.45770205_45770264CAG[(15_23)]CAGCAGCGG[(10_14)]CAG[(260_320)]

Genes: DM1-AS (DM1 locus antisense RNA; plus strand), DMPK (DM1 protein kinase; minus strand), LOC107075317 (origin of replication in DMPK trinucleotide repeat region; plus strand), LOC109461477 (dystrophia myotonica protein kinase repeat instability region; plus strand), LOC129929040 (ATAC-STARR-seq lymphoblastoid silent region 10796; plus strand). Cytogenetic location: 19q13.32.
Variant type: Microsatellite.
Identifiers: ClinVar variation 523756 (VCV000523756.2).

ClinVar aggregate classification (germline): Pathogenic (0 of 4 stars; one submission).

Conditions:
Steinert myotonic dystrophy syndrome (DM1). Also called: STEINERT DISEASE; Myotonic dystrophy type 1; Dystrophia myotonica type 1; Steinert myotonic dystrophy; Steinert's disease. Identifiers: Orphanet 273, MedGen C3250443, MONDO:0008056, OMIM 160900.

Submission:

Institute of Molecular, Cell and Systems Biology, University of Glasgow
Classification: Pathogenic for Steinert myotonic dystrophy syndrome. Last evaluated: 2018-03-14. Review status: no assertion criteria provided. Collection method: research. Allele origin: de novo. Inheritance: Autosomal dominant inheritance. Observed: 1 variant allele.
Comment: DMPK CTG repeat expansions greater than approximately 45-50 repeats are assumed to be pathogenic

Literature cited by the submitters: PubMed 29967337; PubMed 1346923; PubMed 1546326.